The following is an entry in ClinVar:

ClinVar aggregate classification (germline): Uncertain significance. Review status: criteria provided, multiple submitters, no conflicts (2 of 4 stars). 2 submissions from 2 submitters: Uncertain significance (2). Last evaluated 2022-05-19.

Conditions:
Hereditary spastic paraplegia 11. Also called: Nakamura Osame syndrome; Autosomal recessive hereditary spastic paraplegia, mental impairment, and thin corpus callosum; Spastic paraplegia, mental retardation and thin corpus callosum; SPASTIC PARAPLEGIA, AUTOSOMAL RECESSIVE, COMPLICATED, WITH THIN CORPUS CALLOSUM; SPASTIC PARAPLEGIA, AUTOSOMAL RECESSIVE, WITH MENTAL IMPAIRMENT AND THIN CORPUS CALLOSUM; Spastic Paraplegia 11. Identifiers: Orphanet 2822, MedGen C1858479, MONDO:0011445, OMIM 604360.

Allele frequency attached by ClinVar (database versions not stated): gnomAD exomes below 0.00001.
gnomAD v4.1: 13 of 1,613,266 alleles (0.00081%); highest among the groups gnomAD compares: East Asian, 0.0022%; no homozygotes.

Submissions (2):

Labcorp Genetics (formerly Invitae), Labcorp
Classification: Uncertain significance for Hereditary spastic paraplegia 11. Last evaluated: 2022-05-19. Review status: criteria provided, single submitter. Criteria: Invitae Variant Classification Sherloc (09022015). Collection method: clinical testing. Allele origin: germline.
Comment: This variant has not been reported in the literature in individuals affected with SPG11-related conditions. This variant is not present in population databases (gnomAD no frequency). This sequence change replaces serine, which is neutral and polar, with cysteine, which is neutral and slightly polar, at codon 490 of the SPG11 protein (p.Ser490Cys). ClinVar contains an entry for this variant (Variation ID: 886700). In summary, the available evidence is currently insufficient to determine the role of this variant in disease. Therefore, it has been classified as a Variant of Uncertain Significance. Algorithms developed to predict the effect of missense changes on protein structure and function output the following: SIFT: "Tolerated"; PolyPhen-2: "Benign"; Align-GVGD: "Class C0". The cysteine amino acid residue is found in multiple mammalian species, which suggests that this missense change does not adversely affect protein function.

Illumina Laboratory Services, Illumina
Classification: Uncertain significance for Hereditary spastic paraplegia 11. Last evaluated: 2017-04-27. Review status: criteria provided, single submitter. Criteria: ICSL Variant Classification Criteria 13 December 2019. Collection method: clinical testing. Allele origin: germline.

NM_025137.4(SPG11):c.1469C>G (p.Ser490Cys)

Gene: SPG11 (SPG11 vesicle trafficking associated, spatacsin; minus strand). Cytogenetic location: 15q21.1.
Variant type: single nucleotide variant.
Coding change: c.1469C>G on transcript NM_025137.4 (MANE Select); coding-DNA position 1469, C replaced by G.
Protein change: p.Ser490Cys; replaces serine 490 with cysteine.
Molecular consequence: missense variant.
Genome position (GRCh38, 1-based): chr15:44,648,999, G>C on the plus strand (C>G on the coding strand, the complement: SPG11 is on the minus strand). VCF-style: chr15-44648999-G-C. GRCh37 (hg19) VCF-style: chr15-44941197-G-C.
Other names: c.1469C>G, p.Ser490Cys (NM_001160227.2); short protein forms S490C.
Identifiers: ClinVar variation 886700 (VCV000886700.8), dbSNP rs1384102732, ClinGen allele CA392235754.